The following is an entry in ClinVar:

ClinVar aggregate classification (germline): Uncertain significance. Review status: criteria provided, multiple submitters, no conflicts (2 of 4 stars). 2 submissions from 2 submitters: Uncertain significance (2). Last evaluated 2026-01-01.

Conditions:
Cutis laxa, X-linked (OHS). Also called: EDS IX; Occipital horn syndrome. Identifiers: Orphanet 198, MedGen C0268353, MONDO:0010572, OMIM 304150.
Menkes kinky-hair syndrome (MNK). Also called: Menkes Disease; Classic Menkes Disease; Copper transport disease. Identifiers: Orphanet 565, MedGen C0022716, MONDO:0010651, OMIM 309400.
X-linked distal spinal muscular atrophy type 3. Also called: ATP7A-Related Distal Motor Neuropathy; NEURONOPATHY, DISTAL HEREDITARY MOTOR, X-LINKED; NEUROPATHY, DISTAL HEREDITARY MOTOR, X-LINKED; SPINAL MUSCULAR ATROPHY, DISTAL, X-LINKED RECESSIVE. Identifiers: Orphanet 139557, MedGen C1845359, MONDO:0010338, OMIM 300489.

Allele frequency attached by ClinVar (database versions not stated): TOPMed below 0.00001; gnomAD 0.00001.
gnomAD v4.1: 1 of 1,209,442 alleles (0.000083%); highest among the groups gnomAD compares: Non-Finnish European, 0.00011%; no homozygotes.

Submissions (2):

CeGaT Center for Human Genetics Tuebingen
Classification: Uncertain significance. Last evaluated: 2026-01-01. Review status: criteria provided, single submitter. Criteria: CeGaT Center For Human Genetics Tuebingen Variant Classification Criteria Version 2. Collection method: clinical testing. Allele origin: germline. Affected: yes. Observed: 1 variant allele.
Comment: ATP7A: PM2

Labcorp Genetics (formerly Invitae), Labcorp
Classification: Uncertain significance for X-linked distal spinal muscular atrophy type 3; Cutis laxa, X-linked; Menkes kinky-hair syndrome. Last evaluated: 2021-08-05. Review status: criteria provided, single submitter. Criteria: Invitae Variant Classification Sherloc (09022015). Collection method: clinical testing. Allele origin: germline.
Comment: This sequence change replaces histidine with arginine at codon 183 of the ATP7A protein (p.His183Arg). The histidine residue is moderately conserved and there is a small physicochemical difference between histidine and arginine. This variant is not present in population databases (ExAC no frequency). This variant has not been reported in the literature in individuals affected with ATP7A-related conditions. Advanced modeling of protein sequence and biophysical properties (such as structural, functional, and spatial information, amino acid conservation, physicochemical variation, residue mobility, and thermodynamic stability) performed at Invitae indicates that this missense variant is not expected to disrupt ATP7A protein function. In summary, the available evidence is currently insufficient to determine the role of this variant in disease. Therefore, it has been classified as a Variant of Uncertain Significance.

NM_000052.7(ATP7A):c.548A>G (p.His183Arg)

Gene: ATP7A (ATPase copper transporting alpha; plus strand). Cytogenetic location: Xq21.1.
Variant type: single nucleotide variant.
Coding change: c.548A>G on transcript NM_000052.7 (MANE Select); coding-DNA position 548, A replaced by G.
Protein change: p.His183Arg; replaces histidine 183 with arginine.
Molecular consequence: missense variant.
Genome position (GRCh38, 1-based): chrX:77,988,669, A>G. VCF-style: chrX-77988669-A-G. GRCh37 (hg19) VCF-style: chrX-77244165-A-G.
Other names: c.548A>G, p.His183Arg (NM_001282224.2); short protein forms H183R.
Identifiers: ClinVar variation 1409781 (VCV001409781.10), dbSNP rs1186296000, ClinGen allele CA413600261.